The following is an entry in ClinVar:

NM_006267.5(RANBP2):c.1856A>G (p.Lys619Arg)

Gene: RANBP2 (RAN binding protein 2; plus strand). Cytogenetic location: 2q13.
Variant type: single nucleotide variant.
Coding change: c.1856A>G on transcript NM_006267.5 (MANE Select); coding-DNA position 1856, A replaced by G.
Protein change: p.Lys619Arg; replaces lysine 619 with arginine.
Molecular consequence: missense variant.
Genome position (GRCh38, 1-based): chr2:108,753,098, A>G. VCF-style: chr2-108753098-A-G. GRCh37 (hg19) VCF-style: chr2-109369554-A-G.
Other names: short protein forms K619R.
Identifiers: ClinVar variation 1006983 (VCV001006983.5), dbSNP rs1676031394, ClinGen allele CA348051794.
Genomic context (GRCh38, chr2:108,753,098, plus strand): 5'-TAGGGAGAAGTGTTCATTATTGGAAGAAAGTTTTGCCATTGTTGAAGATAATAAAAAAGA[A>G]GAACAGTATTCCTGAACCTATTGATCCTCTGTTTAAACATTTTCATAGTGTAGACATTCA-3'
Protein context (NP_006258.3, residues 609-629): VLPLLKIIKK[Lys619Arg]NSIPEPIDPL

ClinVar aggregate classification (germline): Uncertain significance (1 of 4 stars; one submission).

Conditions:
Familial acute necrotizing encephalopathy (IIAE3). Also called: ENCEPHALOPATHY, ACUTE, INFECTION-INDUCED, SUSCEPTIBILITY TO, 3; Susceptibility to Acute Necrotizing Encephalopathy 1. Identifiers: Orphanet 88619, MedGen C2675556, MONDO:0011953, OMIM 608033.

Allele frequency attached by ClinVar (database versions not stated): TOPMed below 0.00001.

Submission:

Labcorp Genetics (formerly Invitae), Labcorp
Classification: Uncertain significance for Familial acute necrotizing encephalopathy. Last evaluated: 2022-06-27. Review status: criteria provided, single submitter. Criteria: Invitae Variant Classification Sherloc (09022015). Collection method: clinical testing. Allele origin: germline.
Comment: This sequence change replaces lysine, which is basic and polar, with arginine, which is basic and polar, at codon 619 of the RANBP2 protein (p.Lys619Arg). This variant is not present in population databases (gnomAD no frequency). In summary, the available evidence is currently insufficient to determine the role of this variant in disease. Therefore, it has been classified as a Variant of Uncertain Significance. Algorithms developed to predict the effect of missense changes on protein structure and function are either unavailable or do not agree on the potential impact of this missense change (SIFT: "Deleterious"; PolyPhen-2: "Benign"; Align-GVGD: "Class C25"). ClinVar contains an entry for this variant (Variation ID: 1006983). This variant has not been reported in the literature in individuals affected with RANBP2-related conditions.